The following is an entry in ClinVar:

ClinVar aggregate classification (germline): Uncertain significance (1 of 4 stars; one submission).

Submission:

CeGaT Center for Human Genetics Tuebingen
Classification: Uncertain significance. Last evaluated: 2024-08-01. Review status: criteria provided, single submitter. Criteria: CeGaT Center For Human Genetics Tuebingen Variant Classification Criteria Version 2. Collection method: clinical testing. Allele origin: germline. Affected: yes. Observed: 1 variant allele.
Comment: TCIRG1: PM2, PVS1:Moderate, PM3:Supporting

NM_006019.4(TCIRG1):c.714-18_714dup

Gene: TCIRG1 (T cell immune regulator 1, ATPase H+ transporting V0 subunit a3; plus strand). Cytogenetic location: 11q13.2.
Variant type: Duplication.
Coding change: c.714-18_714dup on transcript NM_006019.4 (MANE Select); 18 bases into the intron before coding-DNA position 714 through coding-DNA position 714, 19 bases duplicated (AGCGCATCCTCCCTCCAGC).
Molecular consequence: splice acceptor variant.
Genome position (GRCh38, 1-based): chr11:68,043,796-68,043,814, AGCGCATCCTCCCTCCAGC duplicated; duplicating any 19 consecutive bases within chr11:68,043,794-68,043,814 gives the same sequence; the c. name uses the placement nearest the transcript's 3' end. VCF-style (leftmost placement, unchanged base first): chr11-68043793-C-CGCAGCGCATCCTCCCTCCA. GRCh37 (hg19) VCF-style: chr11-67811260-C-CGCAGCGCATCCTCCCTCCA.
Other names: c.-197-2_-181dup (NM_001351059.2); c.66-18_66dup (NM_006053.4).
Identifiers: ClinVar variation 3342231 (VCV003342231.16).